The following is an entry in ClinVar:

NC_000016.10:g.(?_23603453)_(23614097_?)del

Gene: PALB2 (partner and localizer of BRCA2; minus strand). Cytogenetic location: 16p12.2.
Variant type: Deletion.
Identifiers: ClinVar variation 460651 (VCV000460651.2).

ClinVar aggregate classification (germline): Pathogenic (1 of 4 stars; one submission).

Conditions:
Familial cancer of breast. Also called: BREAST CANCER, FAMILIAL; hereditary breast carcinoma; Hereditary breast cancer. Identifiers: Orphanet 227535, MedGen C0346153, MONDO:0016419, OMIM 114480. Disease mechanism: loss of function.

Submission:

Labcorp Genetics (formerly Invitae), Labcorp
Classification: Pathogenic for Familial cancer of breast. Last evaluated: 2018-02-09. Review status: criteria provided, single submitter. Criteria: Invitae Variant Classification Sherloc (09022015). Collection method: clinical testing. Allele origin: germline.
Comment: This variant is a gross deletion of the genomic region encompassing exons 11-13 of the PALB2 gene. The 5' boundary is likely confined to intron 12. The 3' end of this event is unknown as it extends through the termination codon beyond the assayed region for this gene and may encompass additional genes. While this deletion is not anticipated to result in nonsense mediated decay, it is expected to create a truncated PALB2 protein. While this particular variant has not been reported in the literature, loss-of-function variants in PALB2 are known to be pathogenic (PMID: 25099575, 17200668). This deletion eliminates a portion of the WD40 functional domain, which is encoded by exons 7 to 13 of the PALB2 mRNA. The entire WD40 domain is required for normal PALB2 protein function (PMID: 19423707, 16793542, 17200671), and loss-of-function mutations that disrupt this domain have been classified as pathogenic (Invitae). This deletion is likely to truncate the PALB2 protein and abolish its DNA repair function. For these reasons, this variant has been classified as Pathogenic.

Literature cited by the submitters: PubMed 25099575; PubMed 17200671; PubMed 16793542; PubMed 19423707; PubMed 17200668.